The following is an entry in ClinVar:

NC_000002.11:g.(152419323_152420119)_(152432869_152435851)dup

Gene: NEB (nebulin; minus strand). Cytogenetic location: 2q23.3.
Variant type: Duplication.
Identifiers: ClinVar variation 4687574 (VCV004687574.1).

ClinVar aggregate classification (germline): Uncertain significance (1 of 4 stars; one submission).

Submission:

Women's Health and Genetics/Laboratory Corporation of America, LabCorp
Classification: Uncertain significance. Last evaluated: 2025-10-06. Review status: criteria provided, single submitter. Criteria: LabCorp Variant Classification Summary - May 2015. Collection method: clinical testing. Allele origin: germline.
Comment: Variant summary: The variant involves the duplication of exons 106-119 in the NEB gene. A presumed nomenclature of c.(16704+1_16705-1)_(18693+1_18694-1)dup has been designated for the purposes of this classification. It is assumed to be a tandem duplication in direct orientation (PMIDs: 25640679, 30054569). This Copy Number Variant (CNV) is predicted to result in an in-frame duplication within this gene. The variant was absent in 21686 control chromosomes. The available data on variant occurrences in the general population are insufficient to allow any conclusion about variant significance. To our knowledge, no occurrence of c.(16704+1_16705-1)_(18693+1_18694-1)dup in individuals affected with NEB-related conditions and no experimental evidence demonstrating its impact on protein function have been reported. No submitters have cited clinical-significance assessments for this variant to ClinVar. Based on the evidence outlined above, the variant was classified as uncertain significance.